The following is an entry in ClinVar:

NM_001875.5(CPS1):c.841-182T>C

Gene: CPS1 (carbamoyl-phosphate synthase 1; plus strand). Cytogenetic location: 2q34.
Variant type: single nucleotide variant.
Coding change: c.841-182T>C on transcript NM_001875.5 (MANE Select); 182 bases into the intron before coding-DNA position 841, T replaced by C.
Molecular consequence: intron variant.
Genome position (GRCh38, 1-based): chr2:210,590,618, T>C. VCF-style: chr2-210590618-T-C. GRCh37 (hg19) VCF-style: chr2-211455342-T-C.
Other names: c.841-182T>C (NM_001369257.1, NM_001122633.3); c.874-182T>C (NM_001369256.1).
Identifiers: ClinVar variation 683612 (VCV000683612.1), dbSNP rs2302910, ClinGen allele CA16125479.

ClinVar aggregate classification (germline): Benign (1 of 4 stars; one submission).

Allele frequency attached by ClinVar (database versions not stated): TOPMed 0.59979; 1000 Genomes Project 30x 0.60447; 1000 Genomes Project 0.60723; gnomAD 0.60972 and 0.61104.
gnomAD v4.1: 92,495 of 151,900 alleles (61%); highest among the groups gnomAD compares: African/African-American, 71%; 28,576 homozygotes.

Submission:

GeneDx
Classification: Benign. Last evaluated: 2018-06-19. Review status: criteria provided, single submitter. Criteria: GeneDx Variant Classification (06012015). Collection method: clinical testing. Allele origin: germline. Affected: yes.
Comment: This variant is considered likely benign or benign based on one or more of the following criteria: it is a conservative change, it occurs at a poorly conserved position in the protein, it is predicted to be benign by multiple in silico algorithms, and/or has population frequency not consistent with disease.